The following is an entry in ClinVar:

ClinVar aggregate classification (germline): Pathogenic (1 of 4 stars; one submission).

Submission:

Labcorp Genetics (formerly Invitae), Labcorp
Classification: Pathogenic. Last evaluated: 2023-06-20. Review status: criteria provided, single submitter. Criteria: Invitae Variant Classification Sherloc (09022015). Collection method: clinical testing. Allele origin: germline.
Comment: For these reasons, this variant has been classified as Pathogenic. This variant has not been reported in the literature in individuals affected with FRAS1-related conditions. This variant is not present in population databases (gnomAD no frequency). This sequence change creates a premature translational stop signal (p.Gln1319Profs*9) in the FRAS1 gene. It is expected to result in an absent or disrupted protein product. Loss-of-function variants in FRAS1 are known to be pathogenic (PMID: 12766769, 18671281).

Literature cited by the submitters: PubMed 12766769; PubMed 18671281.

NM_025074.7(FRAS1):c.3955dup (p.Gln1319fs)

Gene: FRAS1 (Fraser extracellular matrix complex subunit 1; plus strand). Cytogenetic location: 4q21.21.
Variant type: Duplication.
Coding change: c.3955dup on transcript NM_025074.7 (MANE Select); coding-DNA position 3955, one base duplicated (C; older notation c.3955dupC).
Protein change: p.Gln1319fs; shifts the reading frame from glutamine 1319.
Molecular consequence: frameshift variant.
Genome position (GRCh38, 1-based): chr4:78,387,681, C duplicated; the last of 2 consecutive C bases (chr4:78,387,680-78,387,681); duplicating either gives the same sequence. VCF-style (leftmost placement, unchanged base first): chr4-78387679-T-TC. GRCh37 (hg19) VCF-style: chr4-79308833-T-TC.
Other names: c.3955dup, p.Gln1319fs (NM_001166133.2); short protein forms Q1319fs.
Identifiers: ClinVar variation 2851704 (VCV002851704.3), dbSNP rs2110330572, ClinGen allele CA2739270109.